The following is an entry in ClinVar:

ClinVar aggregate classification (germline): Uncertain significance. Review status: criteria provided, multiple submitters, no conflicts (2 of 4 stars). 3 submissions from 3 submitters: Uncertain significance (2). 1 of the submissions does not count toward it. Last evaluated 2024-04-04.

Conditions:
SERPING1-related disorder. Also called: SERPING1-related condition.
Hereditary angioedema type 1 (HAE1). Identifiers: Orphanet 100050, Orphanet 100051, Orphanet 91378, MedGen C2717906, MONDO:0015053, OMIM 106100.

Allele frequency attached by ClinVar (database versions not stated): gnomAD 0.00010; 1000 Genomes Project 30x 0.00062; TOPMed 0.00011.

Submissions (3):

Blueprint Genetics
Classification: Uncertain significance. Last evaluated: 2024-04-04. Review status: criteria provided, single submitter. Criteria: ACMG Guidelines, 2015. Collection method: clinical testing. Allele origin: germline.

Illumina Laboratory Services, Illumina
Classification: Uncertain significance for Hereditary angioedema type 1. Last evaluated: 2018-01-13. Review status: criteria provided, single submitter. Criteria: ICSL Variant Classification Criteria 13 December 2019. Collection method: clinical testing. Allele origin: germline.

PreventionGenetics, part of Exact Sciences
Classification: Likely benign for SERPING1-related condition. Last evaluated: 2020-06-03. Review status: no assertion criteria provided. Collection method: clinical testing. Allele origin: germline. Not counted in ClinVar's aggregate classification.
Comment: This variant is classified as likely benign based on ACMG/AMP sequence variant interpretation guidelines (Richards et al. 2015 PMID: 25741868, with internal and published modifications).

NM_000062.2(SERPING1):c.-99C>G

Gene: SERPING1 (serpin family G member 1; plus strand). Cytogenetic location: 11q12.1.
Variant type: single nucleotide variant.
Coding change: c.-99C>G on transcript NM_000062.2; 99 bases upstream of the start codon, C replaced by G.
Genome position (GRCh38, 1-based): chr11:57,597,646, C>G. VCF-style: chr11-57597646-C-G. GRCh37 (hg19) VCF-style: chr11-57365119-C-G.
Identifiers: ClinVar variation 305011 (VCV000305011.10), dbSNP rs866115469, ClinGen allele CA10638773.